The following is an entry in ClinVar:

ClinVar aggregate classification (germline): Uncertain significance (1 of 4 stars; one submission).

Conditions:
Hereditary cancer-predisposing syndrome. Also called: Neoplastic Syndromes, Hereditary; Hereditary Cancer Syndrome; Hereditary neoplastic syndrome; Tumor predisposition. Identifiers: Orphanet 140162, MedGen C0027672, MeSH D009386, MONDO:0015356.

Submission:

Ambry Genetics
Classification: Uncertain significance for Hereditary cancer-predisposing syndrome. Last evaluated: 2023-04-04. Review status: criteria provided, single submitter. Criteria: Ambry Variant Classification Scheme 2023. Collection method: clinical testing. Allele origin: germline.
Comment: The c.908+3_908+4delAA intronic variant, located in intron 7 of the CHEK2 gene, results from a deletion of two nucleotides within intron 7 of the CHEK2 gene. This nucleotide position is highly conserved in available vertebrate species. In silico splice site analysis predicts that this alteration will weaken the native splice donor site. Since supporting evidence is limited at this time, the clinical significance of this alteration remains unclear.

NM_007194.4(CHEK2):c.908+3_908+4del

Gene: CHEK2 (checkpoint kinase 2; minus strand). Cytogenetic location: 22q12.1.
Variant type: Deletion.
Coding change: c.908+3_908+4del on transcript NM_007194.4 (MANE Select); bases 3 to 4 of the intron after coding-DNA position 908, 2 bases deleted (AA; older notation c.908+3_908+4delAA).
Molecular consequence: intron variant.
Genome position (GRCh38, 1-based): chr22:28,703,501-28,703,502, TT deleted on the plus strand (AA on the coding strand, the reverse complement: CHEK2 is on the minus strand). VCF-style (leftmost placement, unchanged base first): chr22-28703500-CTT-C. GRCh37 (hg19) VCF-style: chr22-29099488-CTT-C.
Other names: c.245+3_245+4del (NM_001437942.1, NM_001257387.3); c.707+3_707+4del (NM_001349956.3); c.908+3_908+4del (NM_145862.3); c.1001+3_1001+4del (NM_001438295.1, NM_001438293.1); c.1037+3_1037+4del (NM_001438294.1, NM_001005735.3).
Identifiers: ClinVar variation 2566529 (VCV002566529.2), dbSNP rs2517884701, ClinGen allele CA2580615490.